The following is an entry in ClinVar:

ClinVar aggregate classification (germline): Benign/Likely benign. Review status: criteria provided, multiple submitters, no conflicts (2 of 4 stars). 2 submissions from 2 submitters: Benign (1); Likely benign (1). Last evaluated 2025-02-19.

Conditions:
Fanconi anemia complementation group O. Also called: RAD51C-Related Fanconi Anemia. Identifiers: Orphanet 84, MedGen C3150653, MONDO:0013248, OMIM 613390.
Breast-ovarian cancer, familial, susceptibility to, 3. Also called: RAD51C-Related Breast/Ovarian Cancer. Identifiers: Orphanet 145, MedGen C3150659, MONDO:0013253, OMIM 613399.

Submissions (2):

Myriad Genetics, Inc.
Classification: Benign for Breast-ovarian cancer, familial, susceptibility to, 3. Last evaluated: 2025-02-19. Review status: criteria provided, single submitter. Criteria: Myriad Autosomal Dominant, Autosomal Recessive and X-Linked Classification Criteria (2023). Collection method: clinical testing. Allele origin: unknown.
Comment: This variant is considered benign. This variant is a silent/synonymous amino acid change and it is not expected to impact splicing.

Labcorp Genetics (formerly Invitae), Labcorp
Classification: Likely benign for Fanconi anemia complementation group O. Last evaluated: 2023-10-29. Review status: criteria provided, single submitter. Criteria: Invitae Variant Classification Sherloc (09022015). Collection method: clinical testing. Allele origin: germline.

NM_058216.3(RAD51C):c.976T>C (p.Leu326=)

Gene: RAD51C (RAD51 paralog C; plus strand). Cytogenetic location: 17q22.
Variant type: single nucleotide variant.
Coding change: c.976T>C on transcript NM_058216.3 (MANE Select); coding-DNA position 976, T replaced by C.
Protein change: p.Leu326=; no amino-acid change (leucine 326 retained).
Molecular consequence: synonymous variant. On other transcripts: non-coding transcript variant (1).
Genome position (GRCh38, 1-based): chr17:58,732,494, T>C. VCF-style: chr17-58732494-T-C. GRCh37 (hg19) VCF-style: chr17-56809855-T-C.
Identifiers: ClinVar variation 1101615 (VCV001101615.10), dbSNP rs2144044633, ClinGen allele CA501076111.